The following is an entry in ClinVar:

NM_000283.4(PDE6B):c.2116A>T (p.Lys706Ter)

Gene: PDE6B (phosphodiesterase 6B; plus strand). Cytogenetic location: 4p16.3.
Variant type: single nucleotide variant.
Coding change: c.2116A>T on transcript NM_000283.4 (MANE Select); coding-DNA position 2116, A replaced by T.
Protein change: p.Lys706Ter; replaces lysine 706 with a stop codon.
Molecular consequence: nonsense.
Genome position (GRCh38, 1-based): chr4:664,208, A>T. VCF-style: chr4-664208-A-T. GRCh37 (hg19) VCF-style: chr4-657997-A-T.
Other names: c.1279A>T, p.Lys427Ter (NM_001350154.3, NM_001379246.1, NM_001379247.1 and 1 more transcripts); c.961A>T, p.Lys321Ter (NM_001350155.3); c.2116A>T, p.Lys706Ter (NM_001145291.2); short protein forms K427*, K321*, K706*.
Identifiers: ClinVar variation 866937 (VCV000866937.3), dbSNP rs746552548, ClinGen allele CA2794854.
Genomic context (GRCh38, chr4:664,208, plus strand): 5'-TCCAAGAACTACCAGGACAAGAAGAGCTGGGTGGAGTACCTGTCCCTGGAGACGACCCGG[A>T]AGGAGATCGTCATGTGAGCGCGGGCGGAGGGGGCACGAGGGGTCCTTCCCTCGCAGGGAC-3'

ClinVar aggregate classification (germline): Pathogenic. Review status: criteria provided, multiple submitters, no conflicts (2 of 4 stars). 2 submissions from 2 submitters: Pathogenic (2). Last evaluated 2026-09-24.

Conditions:
PDE6B-related disorder. Also called: PDE6B-related disease; PDE6B-related condition; PDE6B-related disorders.

Allele frequency attached by ClinVar (database versions not stated): ExAC 0.00002; gnomAD exomes 0.00002; gnomAD 0.00005.
gnomAD v4.1: 57 of 1,597,074 alleles (0.0036%); highest among the groups gnomAD compares: Non-Finnish European, 0.0046%; no homozygotes.

Submissions (2):

PreventionGenetics, part of Exact Sciences
Classification: Pathogenic for PDE6B-related condition. Last evaluated: 2026-09-24. Review status: criteria provided, single submitter. Criteria: ACMG Guidelines, 2015. Collection method: clinical testing. Allele origin: germline.
Comment: The PDE6B c.2116A>T variant is predicted to result in premature protein termination (p.Lys706*). This variant has been reported in the compound heterozygous state in individuals with retinitis pigmentosa (McLaughlin et al. 1995. PubMed ID: 7724547; Ge et al. 2015. PubMed ID: 26667666; Biswas et al. 2017. PubMed ID: 28130426). This variant is present in 0.0070% of alleles in individuals of European (Non-Finnish) descent in gnomAD. Nonsense variants in PDE6B are an established mechanism of disease. This variant is interpreted as pathogenic.

Blueprint Genetics
Classification: Pathogenic for PDE6B-related disorders. Last evaluated: 2023-08-11. Review status: criteria provided, single submitter. Criteria: ACMG Guidelines, 2015. Collection method: clinical testing. Allele origin: germline. Affected: yes. Observed: 5 variant alleles.